The following is an entry in ClinVar:

ClinVar aggregate classification (germline): Pathogenic (1 of 4 stars; one submission).

Conditions:
Autosomal recessive nonsyndromic hearing loss 1A (DFNB1A). Also called: GJB6-Related DFNB 1 Nonsyndromic Hearing Loss and Deafness; Nonsyndromic Hearing Loss and Deafness, DFNB1; GJB2-Related Autosomal Recessive Nonsyndromic Hearing Loss; Deafness, autosomal recessive 1A; Connexin 26 deafness; Deafness nonsyndromic, Connexin 26 linked. Identifiers: Orphanet 90636, MedGen C2673759, MONDO:0009076, OMIM 220290.

Submission:

Institute of Rare Diseases, West China Hospital, Sichuan University
Classification: Pathogenic for Autosomal recessive nonsyndromic hearing loss 1A. Last evaluated: 2025-01-09. Review status: criteria provided, single submitter. Criteria: ClinGen HL ACMG Specifications v1. Collection method: research. Allele origin: germline. Affected: yes.
Comment: PVS1;PM3;PM2_Supporting

NM_004004.6(GJB2):c.108del (p.Val37fs)

Gene: GJB2 (gap junction protein beta 2; minus strand). Cytogenetic location: 13q12.11.
Variant type: Deletion.
Coding change: c.108del on transcript NM_004004.6 (MANE Select); coding-DNA position 108, one base deleted (C; older notation c.108delC).
Protein change: p.Val37fs; shifts the reading frame from valine 37.
Molecular consequence: frameshift variant.
Genome position (GRCh38, 1-based): chr13:20,189,474, G deleted on the plus strand (C on the coding strand, the reverse complement: GJB2 is on the minus strand). VCF-style (leftmost placement, unchanged base first): chr13-20189473-CG-C. GRCh37 (hg19) VCF-style: chr13-20763612-CG-C.
Other names: short protein forms V37fs.
Identifiers: ClinVar variation 3601141 (VCV003601141.1).